The following is an entry in ClinVar:

NM_024675.4(PALB2):c.2225C>G (p.Ser742Cys)

Gene: PALB2 (partner and localizer of BRCA2; minus strand). Cytogenetic location: 16p12.2.
Variant type: single nucleotide variant.
Coding change: c.2225C>G on transcript NM_024675.4 (MANE Select); coding-DNA position 2225, C replaced by G.
Protein change: p.Ser742Cys; replaces serine 742 with cysteine.
Molecular consequence: missense variant.
Genome position (GRCh38, 1-based): chr16:23,629,929, G>C on the plus strand (C>G on the coding strand, the complement: PALB2 is on the minus strand). VCF-style: chr16-23629929-G-C. GRCh37 (hg19) VCF-style: chr16-23641250-G-C.
Other names: short protein forms S742C.
Identifiers: ClinVar variation 628009 (VCV000628009.4), dbSNP rs1555460437, ClinGen allele CA395125543.

ClinVar aggregate classification (germline): Uncertain significance (1 of 4 stars; one submission).

Conditions:
Hereditary cancer-predisposing syndrome. Also called: Neoplastic Syndromes, Hereditary; Tumor predisposition; Hereditary neoplastic syndrome; Hereditary Cancer Syndrome. Identifiers: Orphanet 140162, MedGen C0027672, MeSH D009386, MONDO:0015356.

Submission:

Color Diagnostics, LLC DBA Color Health
Classification: Uncertain significance for Hereditary cancer-predisposing syndrome. Last evaluated: 2023-12-05. Review status: criteria provided, single submitter. Criteria: ACMG Guidelines, 2015. Collection method: clinical testing. Allele origin: germline.
Comment: This missense variant replaces serine with cysteine at codon 742 of the PALB2 protein. Computational prediction suggests that this variant may not impact protein structure and function (internally defined REVEL score threshold <= 0.5, PMID: 27666373). To our knowledge, functional studies have not been reported for this variant. This variant has not been reported in individuals affected with PALB2-related disorders in the literature. This variant has not been identified in the general population by the Genome Aggregation Database (gnomAD). The available evidence is insufficient to determine the role of this variant in disease conclusively. Therefore, this variant is classified as a Variant of Uncertain Significance.